The following is an entry in ClinVar:

ClinVar aggregate classification (germline): Uncertain significance. Review status: criteria provided, multiple submitters, no conflicts (2 of 4 stars). 2 submissions from 2 submitters: Uncertain significance (2). Last evaluated 2022-06-11.

Conditions:
Inborn genetic diseases. Identifiers: MedGen C0950123, MeSH D030342.

Submissions (2):

Labcorp Genetics (formerly Invitae), Labcorp
Classification: Uncertain significance. Last evaluated: 2022-06-11. Review status: criteria provided, single submitter. Criteria: Invitae Variant Classification Sherloc (09022015). Collection method: clinical testing. Allele origin: germline.
Comment: In summary, the available evidence is currently insufficient to determine the role of this variant in disease. Therefore, it has been classified as a Variant of Uncertain Significance. Variants that disrupt the consensus splice site are a relatively common cause of aberrant splicing (PMID: 17576681, 9536098). Algorithms developed to predict the effect of sequence changes on RNA splicing suggest that this variant may disrupt the consensus splice site. Algorithms developed to predict the effect of missense changes on protein structure and function are either unavailable or do not agree on the potential impact of this missense change (SIFT: "Deleterious"; PolyPhen-2: "Possibly Damaging"; Align-GVGD: "Class C0"). This missense change has been observed in individual(s) with DNAH9-related conditions (Invitae). In at least one individual the data is consistent with being in trans (on the opposite chromosome) from a pathogenic variant. This variant is not present in population databases (gnomAD no frequency). This sequence change replaces glutamine, which is neutral and polar, with histidine, which is basic and polar, at codon 3761 of the DNAH9 protein (p.Gln3761His). This variant also falls at the last nucleotide of exon 58, which is part of the consensus splice site for this exon.

Ambry Genetics
Classification: Uncertain significance for Inborn genetic diseases. Last evaluated: 2021-09-03. Review status: criteria provided, single submitter. Criteria: Ambry Variant Classification Scheme 2023. Collection method: clinical testing. Allele origin: germline.
Comment: Occurs in the last base pair of the exon. Resulting transcript is predicted to be in-frame and is not expected to trigger nonsense-mediated mRNA decay. Based on insufficient or conflicting evidence, the clinical significance of this alteration remains unclear.

Literature cited by the submitters: PubMed 17576681 (cited by Labcorp Genetics (formerly Invitae), Labcorp); PubMed 9536098 (cited by Labcorp Genetics (formerly Invitae), Labcorp).

NM_001372.4(DNAH9):c.11283G>T (p.Gln3761His)

Gene: DNAH9 (dynein axonemal heavy chain 9; plus strand). Cytogenetic location: 17p12.
Variant type: single nucleotide variant.
Coding change: c.11283G>T on transcript NM_001372.4 (MANE Select); coding-DNA position 11283, G replaced by T.
Protein change: p.Gln3761His; replaces glutamine 3761 with histidine.
Molecular consequence: missense variant.
Genome position (GRCh38, 1-based): chr17:11,891,947, G>T. VCF-style: chr17-11891947-G-T. GRCh37 (hg19) VCF-style: chr17-11795264-G-T.
Other names: c.219G>T, p.Gln73His (NM_004662.2); short protein forms Q3761H, Q73H.
Identifiers: ClinVar variation 2004888 (VCV002004888.5), dbSNP rs2544833520, ClinGen allele CA398200767.